The following is an entry in ClinVar:

NM_004606.5(TAF1):c.2124A>T (p.Lys708Asn)

Gene: TAF1 (TATA-box binding protein associated factor 1; plus strand). Cytogenetic location: Xq13.1.
Variant type: single nucleotide variant.
Coding change: c.2124A>T on transcript NM_004606.5 (MANE Select); coding-DNA position 2124, A replaced by T.
Protein change: p.Lys708Asn; replaces lysine 708 with asparagine.
Molecular consequence: missense variant. On other transcripts: non-coding transcript variant (9).
Genome position (GRCh38, 1-based): chrX:71,384,947, A>T. VCF-style: chrX-71384947-A-T. GRCh37 (hg19) VCF-style: chrX-70604797-A-T.
Other names: c.2124A>T, p.Lys708Asn (NM_001286074.2, NM_001440852.1, NM_001440853.1); c.2061A>T, p.Lys687Asn (NM_001440854.1, NM_138923.4); short protein forms K687N, K708N.
Identifiers: ClinVar variation 4813570 (VCV004813570.1).

ClinVar aggregate classification (germline): Uncertain significance (1 of 4 stars; one submission).

Conditions:
Intellectual developmental disorder, X-linked, syndromic 33. Also called: Intellectual disability, X-linked, syndromic 33; X-linked intellectual disability-global development delay-facial dysmorphism-sacral caudal remnant syndrome. Identifiers: Orphanet 480907, MedGen C4225418, MONDO:0010500, OMIM 300966.

Submission:

Mendelics
Classification: Uncertain significance for Intellectual developmental disorder, X-linked, syndromic 33. Last evaluated: 2026-03-05. Review status: criteria provided, single submitter. Criteria: ACMG Guidelines, 2015. Collection method: clinical testing. Allele origin: unknown.
Comment: The available evidence is insufficient to conclusively determine the role of this variant. Therefore, it is classified as a Variant of Uncertain Significance.